The following is an entry in ClinVar:

ClinVar aggregate classification (germline): Likely benign (1 of 4 stars; one submission).

Allele frequency attached by ClinVar (database versions not stated): 1000 Genomes Project 0.00080; 1000 Genomes Project 30x 0.00109; gnomAD 0.00116; TOPMed 0.00127; ExAC 0.00142; ESP Exome Variant Server 0.00168; gnomAD exomes 0.00192.
gnomAD v4.1: 2,956 of 1,613,514 alleles (0.18%); highest among the groups gnomAD compares: Non-Finnish European, 0.23%; 4 homozygotes.

Submission:

CeGaT Center for Human Genetics Tuebingen
Classification: Likely benign. Last evaluated: 2022-11-01. Review status: criteria provided, single submitter. Criteria: CeGaT Center For Human Genetics Tuebingen Variant Classification Criteria Version 2. Collection method: clinical testing. Allele origin: germline. Affected: yes. Observed: 1 variant allele.
Comment: SVEP1: BP4, BP7

NM_153366.4(SVEP1):c.2805A>G (p.Glu935=)

Gene: SVEP1 (sushi, von Willebrand factor type A, EGF and pentraxin domain containing 1; minus strand). Cytogenetic location: 9q31.3.
Variant type: single nucleotide variant.
Coding change: c.2805A>G on transcript NM_153366.4 (MANE Select); coding-DNA position 2805, A replaced by G.
Protein change: p.Glu935=; no amino-acid change (glutamic acid 935 retained).
Molecular consequence: synonymous variant.
Genome position (GRCh38, 1-based): chr9:110,471,557, T>C on the plus strand (A>G on the coding strand, the complement: SVEP1 is on the minus strand). VCF-style: chr9-110471557-T-C. GRCh37 (hg19) VCF-style: chr9-113233837-T-C.
Identifiers: ClinVar variation 2659419 (VCV002659419.24), dbSNP rs192118727, ClinGen allele CA5183200.